The following is an entry in ClinVar:

NM_000490.5(AVP):c.434G>C (p.Arg145Pro)

Gene: AVP (arginine vasopressin; minus strand). Cytogenetic location: 20p13.
Variant type: single nucleotide variant.
Coding change: c.434G>C on transcript NM_000490.5 (MANE Select); coding-DNA position 434, G replaced by C.
Protein change: p.Arg145Pro; replaces arginine 145 with proline.
Molecular consequence: missense variant.
Genome position (GRCh38, 1-based): chr20:3,082,691, C>G on the plus strand (G>C on the coding strand, the complement: AVP is on the minus strand). VCF-style: chr20-3082691-C-G. GRCh37 (hg19) VCF-style: chr20-3063337-C-G.
Other names: short protein forms R145P.
Identifiers: ClinVar variation 1929919 (VCV001929919.5), dbSNP rs936650522, ClinGen allele CA310942870.

ClinVar aggregate classification (germline): Uncertain significance (1 of 4 stars; one submission).

Allele frequency attached by ClinVar (database versions not stated): gnomAD exomes below 0.00001.
gnomAD v4.1: 3 of 1,292,706 alleles (0.00023%); highest among the groups gnomAD compares: Non-Finnish European, 0.00029%; no homozygotes.

Submission:

Labcorp Genetics (formerly Invitae), Labcorp
Classification: Uncertain significance. Last evaluated: 2022-04-04. Review status: criteria provided, single submitter. Criteria: Invitae Variant Classification Sherloc (09022015). Collection method: clinical testing. Allele origin: germline.
Comment: This sequence change replaces arginine, which is basic and polar, with proline, which is neutral and non-polar, at codon 145 of the AVP protein (p.Arg145Pro). This variant is not present in population databases (gnomAD no frequency). This variant has not been reported in the literature in individuals affected with AVP-related conditions. Algorithms developed to predict the effect of missense changes on protein structure and function are either unavailable or do not agree on the potential impact of this missense change (SIFT: "Tolerated"; PolyPhen-2: "Probably Damaging"; Align-GVGD: "Class C0"). In summary, the available evidence is currently insufficient to determine the role of this variant in disease. Therefore, it has been classified as a Variant of Uncertain Significance.